The following is an entry in ClinVar:

NM_005188.4(CBL):c.281A>G (p.His94Arg)

Gene: CBL (Cbl proto-oncogene; plus strand). Cytogenetic location: 11q23.3.
Variant type: single nucleotide variant.
Coding change: c.281A>G on transcript NM_005188.4 (MANE Select); coding-DNA position 281, A replaced by G.
Protein change: p.His94Arg; replaces histidine 94 with arginine.
Molecular consequence: missense variant.
Genome position (GRCh38, 1-based): chr11:119,232,533, A>G. VCF-style: chr11-119232533-A-G. GRCh37 (hg19) VCF-style: chr11-119103243-A-G.
Other names: short protein forms H94R.
Identifiers: ClinVar variation 4868217 (VCV004868217.1).

ClinVar aggregate classification (germline): Uncertain significance (1 of 4 stars; one submission).

Conditions:
Cardiovascular phenotype. Identifiers: MedGen CN230736.

Submission:

Ambry Genetics
Classification: Uncertain significance for Cardiovascular phenotype. Last evaluated: 2026-04-10. Review status: criteria provided, single submitter. Criteria: Ambry Variant Classification Scheme 2023. Collection method: clinical testing. Allele origin: germline.
Comment: The p.H94R variant (also known as c.281A>G), located in coding exon 2 of the CBL gene, results from an A to G substitution at nucleotide position 281. The histidine at codon 94 is replaced by arginine, an amino acid with highly similar properties. This amino acid position is conserved. In addition, this alteration is predicted to be deleterious by in silico analysis. Based on the available evidence, the clinical significance of this variant remains unclear.